The following is an entry in ClinVar:

NM_020374.4(FERRY3):c.500_501GA[2] (p.Arg169fs)

Gene: FERRY3 (FERRY endosomal RAB5 effector complex subunit 3; minus strand). Cytogenetic location: 12p13.32.
Variant type: Microsatellite.
Coding change: c.500_501GA[2] on transcript NM_020374.4 (MANE Select).
Protein change: p.Arg169fs; shifts the reading frame from arginine 169.
Molecular consequence: frameshift variant. On other transcripts: 5 prime UTR variant (3), non-coding transcript variant (3).
Genome position: GRCh38 VCF-style: chr12-4529868-CCT-C. GRCh37 (hg19) VCF-style: chr12-4639034-CCT-C.
Other names: c.500_501GA[2], p.Arg169fs (NM_001304811.2, NM_001346153.2, NM_001346155.2); c.-20_-19GA[2] (NM_001346156.2, NM_001346157.2); c.-246_-245GA[2] (NM_001352962.2); short protein forms R169fs.
Identifiers: ClinVar variation 1806586 (VCV001806586.1), dbSNP rs1381341766, ClinGen allele CA477953971.

ClinVar aggregate classification (germline): Likely pathogenic (1 of 4 stars; one submission).

Submission:

GeneDx
Classification: Likely pathogenic. Last evaluated: 2022-12-20. Review status: criteria provided, single submitter. Criteria: GeneDx Variant Classification Process June 2021. Collection method: clinical testing. Allele origin: germline. Affected: yes.
Comment: Frameshift variant predicted to result in protein truncation or nonsense mediated decay in a gene for which loss of function is a known mechanism of disease; Not observed at significant frequency in large population cohorts (gnomAD); Has not been previously published as pathogenic or benign to our knowledge